The following is an entry in ClinVar:

ClinVar aggregate classification (germline): Uncertain significance (1 of 4 stars; one submission).

Submission:

Ambry Genetics
Classification: Uncertain significance. Last evaluated: 2025-09-28. Review status: criteria provided, single submitter. Criteria: Ambry Variant Classification Scheme 2023. Collection method: clinical testing. Allele origin: germline.
Comment: The p.A1094T variant (also known as c.3280G>A), located in coding exon 12 of the WNK2 gene, results from a G to A substitution at nucleotide position 3280. The alanine at codon 1094 is replaced by threonine, an amino acid with similar properties. This amino acid position is conserved. In addition, this alteration is predicted to be tolerated by in silico analysis. Based on the available evidence, the clinical significance of this variant remains unclear.

NM_006648.4(WNK2):c.3280G>A (p.Ala1094Thr)

Gene: WNK2 (WNK lysine deficient protein kinase 2; plus strand). Cytogenetic location: 9q22.31.
Variant type: single nucleotide variant.
Coding change: c.3280G>A on transcript NM_006648.4 (MANE Select); coding-DNA position 3280, G replaced by A.
Protein change: p.Ala1094Thr; replaces alanine 1094 with threonine.
Molecular consequence: missense variant.
Genome position (GRCh38, 1-based): chr9:93,262,027, G>A. VCF-style: chr9-93262027-G-A. GRCh37 (hg19) VCF-style: chr9-96024309-G-A.
Other names: c.3280G>A, p.Ala1094Thr (NM_001282394.3); short protein forms A1094T.
Identifiers: ClinVar variation 4605203 (VCV004605203.1).